The following is an entry in ClinVar:

NM_000238.4(KCNH2):c.1583G>A (p.Arg528Gln)

Gene: KCNH2 (potassium voltage-gated channel subfamily H member 2; minus strand). Cytogenetic location: 7q36.1.
Variant type: single nucleotide variant.
Coding change: c.1583G>A on transcript NM_000238.4 (MANE Select); coding-DNA position 1583, G replaced by A.
Protein change: p.Arg528Gln; replaces arginine 528 with glutamine.
Molecular consequence: missense variant.
Genome position (GRCh38, 1-based): chr7:150,951,810, C>T on the plus strand (G>A on the coding strand, the complement: KCNH2 is on the minus strand). VCF-style: chr7-150951810-C-T. GRCh37 (hg19) VCF-style: chr7-150648898-C-T.
Other names: c.1406G>A, p.Arg469Gln (NM_001406755.1); c.1295G>A, p.Arg432Gln (NM_001406756.1, NM_001406753.1); c.1283G>A, p.Arg428Gln (NM_001406757.1); c.1583G>A, p.Arg528Gln (NM_172056.3); c.563G>A, p.Arg188Gln (NM_172057.3, NM_001204798.2); short protein forms R188Q, R528Q, R469Q, R432Q, R428Q.
Identifiers: ClinVar variation 2096656 (VCV002096656.6), dbSNP rs199472914, ClinGen allele CA004849.

ClinVar aggregate classification (germline): Uncertain significance. Review status: criteria provided, multiple submitters, no conflicts (2 of 4 stars). 2 submissions from 2 submitters: Uncertain significance (2). Last evaluated 2025-03-26.

Conditions:
Long QT syndrome (LQTS). Identifiers: MedGen C0023976, MeSH D008133, MONDO:0002442. Disease mechanism: loss of function. Inheritance: Various modes of inheritance.
Cardiovascular phenotype. Identifiers: MedGen CN230736.

Allele frequency attached by ClinVar (database versions not stated): gnomAD exomes below 0.00001; TOPMed 0.00001.

Submissions (2):

Labcorp Genetics (formerly Invitae), Labcorp
Classification: Uncertain significance for Long QT syndrome. Last evaluated: 2025-03-26. Review status: criteria provided, single submitter. Criteria: Invitae Variant Classification Sherloc (09022015). Collection method: clinical testing. Allele origin: germline.
Comment: This sequence change replaces arginine, which is basic and polar, with glutamine, which is neutral and polar, at codon 528 of the KCNH2 protein (p.Arg528Gln). This variant is not present in population databases (gnomAD no frequency). This missense change has been observed in individual(s) with KCNH2-related conditions (PMID: 36861347). ClinVar contains an entry for this variant (Variation ID: 2096656). An algorithm developed to predict the effect of missense changes on protein structure and function (PolyPhen-2) suggests that this variant is likely to be disruptive. Experimental studies have shown that this missense change affects KCNH2 function (PMID: 15181157). In summary, the available evidence is currently insufficient to determine the role of this variant in disease. Therefore, it has been classified as a Variant of Uncertain Significance.

Ambry Genetics
Classification: Uncertain significance for Cardiovascular phenotype. Last evaluated: 2023-03-31. Review status: criteria provided, single submitter. Criteria: Ambry Variant Classification Scheme 2023. Collection method: clinical testing. Allele origin: germline.
Comment: The p.R528Q variant (also known as c.1583G>A), located in coding exon 7 of the KCNH2 gene, results from a G to A substitution at nucleotide position 1583. The arginine at codon 528 is replaced by glutamine, an amino acid with highly similar properties. An in vitro study showed this alteration may impact protein function (Subbiah RN et al. J Physiol, 2004 Jul;558:417-31). This amino acid position is highly conserved in available vertebrate species. In addition, this alteration is predicted to be deleterious by in silico analysis. Since supporting evidence is limited at this time, the clinical significance of this alteration remains unclear.

Literature cited by the submitters: PubMed 36861347 (cited by Labcorp Genetics (formerly Invitae), Labcorp); PubMed 15181157 (cited by Labcorp Genetics (formerly Invitae), Labcorp and Ambry Genetics).